The following is an entry in ClinVar:

ClinVar aggregate classification (germline): Likely benign (1 of 4 stars; one submission).

Allele frequency attached by ClinVar (database versions not stated): TOPMed 0.00001.
gnomAD v4.1: 4 of 1,197,993 alleles (0.00033%); highest among the groups gnomAD compares: South Asian, 0.0018%; no homozygotes.

Submission:

GeneDx
Classification: Likely benign. Last evaluated: 2017-01-11. Review status: criteria provided, single submitter. Criteria: GeneDx Variant Classification (06012015). Collection method: clinical testing. Allele origin: germline. Affected: yes.
Comment: This variant is considered likely benign or benign based on one or more of the following criteria: it is a conservative change, it occurs at a poorly conserved position in the protein, it is predicted to be benign by multiple in silico algorithms, and/or has population frequency not consistent with disease.

NM_001110556.2(FLNA):c.-21C>T

Gene: FLNA (filamin A; minus strand). Cytogenetic location: Xq28.
Variant type: single nucleotide variant.
Coding change: c.-21C>T on transcript NM_001110556.2 (MANE Select); 21 bases upstream of the start codon, C replaced by T.
Molecular consequence: 5 prime UTR variant.
Genome position (GRCh38, 1-based): chrX:154,371,266, G>A on the plus strand (C>T on the coding strand, the complement: FLNA is on the minus strand). VCF-style: chrX-154371266-G-A. GRCh37 (hg19) VCF-style: chrX-153599634-G-A.
Other names: c.-21C>T (NM_001456.4).
Identifiers: ClinVar variation 392929 (VCV000392929.1), dbSNP rs782455612, ClinGen allele CA10561483.